The following is an entry in ClinVar:

NM_001963.6(EGF):c.1763G>A (p.Arg588His)

Gene: EGF (epidermal growth factor; plus strand). Cytogenetic location: 4q25.
Variant type: single nucleotide variant.
Coding change: c.1763G>A on transcript NM_001963.6 (MANE Select); coding-DNA position 1763, G replaced by A.
Protein change: p.Arg588His; replaces arginine 588 with histidine.
Molecular consequence: missense variant.
Genome position (GRCh38, 1-based): chr4:109,974,741, G>A. VCF-style: chr4-109974741-G-A. GRCh37 (hg19) VCF-style: chr4-110895897-G-A.
Other names: c.1763G>A, p.Arg588His (NM_001178130.3); c.1637G>A, p.Arg546His (NM_001178131.3, NM_001357021.2); short protein forms R588H, R546H.
Identifiers: ClinVar variation 2967962 (VCV002967962.3), dbSNP rs554205393, ClinGen allele CA3043786.

ClinVar aggregate classification (germline): Uncertain significance (1 of 4 stars; one submission).

Allele frequency attached by ClinVar (database versions not stated): gnomAD 0.00001; TOPMed 0.00001; 1000 Genomes Project 30x 0.00016; 1000 Genomes Project 0.00020.
gnomAD v4.1: 10 of 1,613,458 alleles (0.00062%); highest among the groups gnomAD compares: South Asian, 0.0011%; no homozygotes.

Submission:

Labcorp Genetics (formerly Invitae), Labcorp
Classification: Uncertain significance. Last evaluated: 2023-07-23. Review status: criteria provided, single submitter. Criteria: Invitae Variant Classification Sherloc (09022015). Collection method: clinical testing. Allele origin: germline.
Comment: This variant is present in population databases (rs554205393, gnomAD 0.003%). This sequence change replaces arginine, which is basic and polar, with histidine, which is basic and polar, at codon 588 of the EGF protein (p.Arg588His). This variant has not been reported in the literature in individuals affected with EGF-related conditions. Algorithms developed to predict the effect of missense changes on protein structure and function output the following: SIFT: "Not Available"; PolyPhen-2: "Benign"; Align-GVGD: "Not Available". The histidine amino acid residue is found in multiple mammalian species, which suggests that this missense change does not adversely affect protein function. In summary, the available evidence is currently insufficient to determine the role of this variant in disease. Therefore, it has been classified as a Variant of Uncertain Significance.